The following is an entry in ClinVar:

NM_021971.4(GMPPB):c.458C>T (p.Thr153Ile)

Gene: GMPPB (GDP-mannose pyrophosphorylase B; minus strand). Cytogenetic location: 3p21.31.
Variant type: single nucleotide variant.
Coding change: c.458C>T on transcript NM_021971.4 (MANE Select); coding-DNA position 458, C replaced by T.
Protein change: p.Thr153Ile; replaces threonine 153 with isoleucine.
Molecular consequence: missense variant.
Genome position (GRCh38, 1-based): chr3:49,722,699, G>A on the plus strand (C>T on the coding strand, the complement: GMPPB is on the minus strand). VCF-style: chr3-49722699-G-A. GRCh37 (hg19) VCF-style: chr3-49760132-G-A.
Other names: p.Thr153Ile; c.458C>T, p.Thr153Ile (NM_013334.4); short protein forms T153I.
Identifiers: ClinVar variation 638638 (VCV000638638.24), dbSNP rs202013297, ClinGen allele CA2405548.

ClinVar aggregate classification (germline): Pathogenic/Likely pathogenic. Review status: criteria provided, multiple submitters, no conflicts (2 of 4 stars). 9 submissions from 9 submitters: Pathogenic (8); Likely pathogenic (1). Last evaluated 2025-12-29.

Conditions:
Muscular dystrophy-dystroglycanopathy (congenital with brain and eye anomalies), type A14. Also called: Congenital Muscular Dystrophy-Dystroglycanopathy with Brain and Eye Anomalies Type A 14; Congenital muscular dystrophy-dystroglycanopathy with brain and eye anomalies, type A14; Muscular dystrophy-dystroglycanopathy (congenital with brain and eye anomalies), type a, 14; WALKER-WARBURG SYNDROME OR MUSCLE-EYE-BRAIN DISEASE, GMPPB-RELATED. Identifiers: Orphanet 588, MedGen C3809216, MONDO:0014140, OMIM 615350.
Autosomal recessive limb-girdle muscular dystrophy type 2T. Also called: Limb-girdle muscular dystrophy-dystroglycanopathy, type C14; MUSCULAR DYSTROPHY-DYSTROGLYCANOPATHY, LIMB-GIRDLE, GMPPB-RELATED; MUSCULAR DYSTROPHY, LIMB-GIRDLE, TYPE 2T; Muscular dystrophy-dystroglycanopathy (limb-girdle), type c, 14. Identifiers: Orphanet 363623, MedGen C4518000, MONDO:0014142, OMIM 615352.
GMPPB-related disorder. Also called: GMPPB-related disorders; GMPPB-related condition.
Muscular dystrophy-dystroglycanopathy (congenital with impaired intellectual development), type B, 14. Also called: Congenital muscular dystrophy-dystroglycanopathy with mental retardation, type B14; MUSCULAR DYSTROPHY, CONGENITAL, GMPPB-RELATED; Muscular dystrophy-dystroglycanopathy (congenital with intellectual disability), type B14. Identifiers: MedGen C3809221, MONDO:0014141, OMIM 615351.

Allele frequency attached by ClinVar (database versions not stated): ExAC 0.00002; TOPMed 0.00001; gnomAD exomes 0.00001; gnomAD 0.00003.
gnomAD v4.1: 9 of 1,613,826 alleles (0.00056%); highest among the groups gnomAD compares: Admixed American, 0.0017%; no homozygotes.

Submissions (9):

Labcorp Genetics (formerly Invitae), Labcorp
Classification: Pathogenic for Autosomal recessive limb-girdle muscular dystrophy type 2T; Muscular dystrophy-dystroglycanopathy (congenital with brain and eye anomalies), type A14; Muscular dystrophy-dystroglycanopathy (congenital with impaired intellectual development), type B, 14. Last evaluated: 2025-12-29. Review status: criteria provided, single submitter. Criteria: Invitae Variant Classification Sherloc (09022015). Collection method: clinical testing. Allele origin: germline.
Comment: This sequence change replaces threonine, which is neutral and polar, with isoleucine, which is neutral and non-polar, at codon 153 of the GMPPB protein (p.Thr153Ile). This variant is present in population databases (rs202013297, gnomAD 0.003%). This missense change has been observed in individuals with GMPPB-related conditions (PMID: 25681410, 28914264, 30257713; internal data). It has also been observed to segregate with disease in related individuals. ClinVar contains an entry for this variant (Variation ID: 638638). Invitae Evidence Modeling of protein sequence and biophysical properties (such as structural, functional, and spatial information, amino acid conservation, physicochemical variation, residue mobility, and thermodynamic stability) indicates that this missense variant is not expected to disrupt GMPPB protein function with a negative predictive value of 80%. For these reasons, this variant has been classified as Pathogenic.

Victorian Clinical Genetics Services, Murdoch Childrens Research Institute
Classification: Pathogenic for Muscular dystrophy-dystroglycanopathy (congenital with brain and eye anomalies), type A14. Last evaluated: 2025-08-21. Review status: criteria provided, single submitter. Criteria: ACMG Guidelines, 2015. Collection method: clinical testing. Allele origin: germline. Affected: yes.
Comment: This variant is classified as Pathogenic. Evidence in support of pathogenic classification: Variant is present in gnomAD <0.01 for a recessive condition (v4: 9 heterozygote(s), 0 homozygote(s)); This variant has strong previous evidence of pathogenicity in unrelated individuals. It has been classified as pathogenic or likely pathogenic by multiple clinical laboratories (ClinVar), and reported in a homozygous or compound heterozygous state in affected individuals (PMIDs: 30257713, 25681410, 31378432, 28914264); Missense variant predicted to be damaging by in silico tool(s) or highly conserved with a major amino acid change; Strong phenotype match for this individual. Additional information: Variant is predicted to result in a missense amino acid change from Thr to Ile; This variant is heterozygous; This gene is associated with autosomal recessive disease; Alternative amino acid change(s) at the same position are present in gnomAD (highest allele count: v4: 1 heterozygote(s), 0 homozygote(s)); Variant is located in the annotated nucleotidyl transferase domain (DECIPHER); Loss of function is a known mechanism of disease in this gene and is associated with muscular dystrophy-dystroglycanopathy (congenital with brain and eye anomalies), type A, 14 (MIM#615350), muscular dystrophy-dystroglycanopathy (congenital with impaired intellectual development), type B, 14 (MIM#615351), and muscular dystrophy-dystroglycanopathy (limb-girdle), type C, 14 (MIM#615352); Variants in this gene are known to have variable expressivity (OMIM, PMID: 30257713).

Blueprint Genetics
Classification: Pathogenic for GMPPB-related disorders. Last evaluated: 2024-11-25. Review status: criteria provided, single submitter. Criteria: ACMG Guidelines, 2015. Collection method: clinical testing. Allele origin: germline. Affected: yes. Observed: 2 variant alleles.

3billion
Classification: Pathogenic for GMPPB-related disorder. Last evaluated: 2024-07-31. Review status: criteria provided, single submitter. Criteria: ACMG Guidelines, 2015. Collection method: clinical testing. Allele origin: germline. Affected: yes.
Comment: The variant is observed at an extremely low frequency in the gnomAD v4.0.0 dataset (total allele frequency: <0.001%). Predicted Consequence/Location: Missense variant In silico tool predictions suggest damaging effect of the variant on gene or gene product [REVEL: 0.82 (>=0.6, sensitivity 0.68 and specificity 0.92); 3Cnet: 0.79 (>=0.6, sensitivity 0.72 and precision 0.9)]. The same nucleotide change resulting in the same amino acid change has been previously reported as pathogenic/likely pathogenic with strong evidence (ClinVar ID: VCV000638638 /PMID: 25681410 /3billion dataset). The variant has been reported to be in trans with a pathogenic variant as either compound heterozygous or homozygous in at least 2 similarly affected unrelated individuals (PMID: 25681410, 28914264, 30126629, 30257713). Therefore, this variant is classified as Pathogenic according to the recommendation of ACMG/AMP guideline.

Department of Pathology and Laboratory Medicine, Sinai Health System
Classification: Pathogenic for Muscular dystrophy-dystroglycanopathy (congenital with impaired intellectual development), type B, 14; Autosomal recessive limb-girdle muscular dystrophy type 2T; Muscular dystrophy-dystroglycanopathy (congenital with brain and eye anomalies), type A14. Last evaluated: 2023-07-20. Review status: criteria provided, single submitter. Criteria: ACMG Guidelines, 2015. Collection method: research. Allele origin: germline.

Breakthrough Genomics
Classification: Pathogenic for Autosomal recessive limb-girdle muscular dystrophy type 2T. Last evaluated: 2022-10-19. Review status: criteria provided, single submitter. Criteria: ACMG Guidelines, 2015. Collection method: clinical testing. Allele origin: germline. Affected: yes.
Comment: This variant is predicted to be damaging by in-silico missense prediction tools (SIFT and Polyphen2). The variant has been previously reported in homozygous or compound heterozygous state in individuals with limb-girdle muscular dystrophy and muscle-eye-brain disease [PMID: 31378432, 28914264, 30257713].

GeneDx
Classification: Pathogenic. Last evaluated: 2020-04-10. Review status: criteria provided, single submitter. Criteria: GeneDx Variant Classification Process June 2021. Collection method: clinical testing. Allele origin: germline. Affected: yes.
Comment: Not observed at a significant frequency or in the homozygous state in large population cohorts (Lek et al., 2016); In silico analysis supports that this missense variant has a deleterious effect on protein structure/function; This variant is associated with the following publications: (PMID: 30126629, 30257713, 31953240, 31378432, 28914264, 25681410)

James R Lupski Laboratory, Baylor College Of Medicine
Classification: Pathogenic for Autosomal recessive limb-girdle muscular dystrophy type 2T. Last evaluated: 2019-07-01. Review status: criteria provided, single submitter. Criteria: ACMG Guidelines, 2015. Collection method: research. Allele origin: germline. Inheritance: Autosomal recessive inheritance. Affected: yes. Observed: 3 variant alleles, 3 homozygotes. Clinical features observed: Proximal upper limb muscle weakness (HP:0008997).

Revvity Omics, Revvity
Classification: Likely pathogenic. Last evaluated: 2019-01-02. Review status: criteria provided, single submitter. Criteria: ACMG Guidelines, 2015. Collection method: clinical testing. Allele origin: germline.

Literature cited by the submitters: PubMed 25681410 (cited by 3 submitters); PubMed 28914264 (cited by 3 submitters); PubMed 30257713 (cited by 3 submitters); PubMed 31378432 (cited by Victorian Clinical Genetics Services, Murdoch Childrens Research Institute); PubMed 30126629 (cited by 3billion).